The following is an entry in ClinVar:

NM_001048174.2(MUTYH):c.508G>A (p.Gly170Arg)

Gene: MUTYH (mutY DNA glycosylase; minus strand). Cytogenetic location: 1p34.1.
Variant type: single nucleotide variant.
Coding change: c.508G>A on transcript NM_001048174.2 (MANE Select); coding-DNA position 508, G replaced by A.
Protein change: p.Gly170Arg; replaces glycine 170 with arginine.
Molecular consequence: missense variant. On other transcripts: non-coding transcript variant (7).
Genome position (GRCh38, 1-based): chr1:45,332,672, C>T on the plus strand (G>A on the coding strand, the complement: MUTYH is on the minus strand). VCF-style: chr1-45332672-C-T. GRCh37 (hg19) VCF-style: chr1-45798344-C-T.
Other names: c.541G>A, p.Gly181Arg (NM_001407077.1, NM_001293191.2, NM_001407069.1); c.511G>A, p.Gly171Arg (NM_001407078.1, NM_001407086.1, NM_001048172.2 and 1 more transcripts); c.469G>A, p.Gly157Arg (NM_001407079.1); c.466G>A, p.Gly156Arg (NM_001407080.1); c.508G>A, p.Gly170Arg (NM_001407081.1, NM_001048171.2, NM_001048173.2 and 6 more transcripts); c.163G>A, p.Gly55Arg (NM_001407082.1, NM_001350650.2, NM_001350651.2); c.550G>A, p.Gly184Arg (NM_001407083.1, NM_001407085.1); c.529G>A, p.Gly177Arg (NM_001407087.1); and 5 more; short protein forms G157R, G181R, G184R, G156R, G171R, G55R, G142R, G177R.
Identifiers: ClinVar variation 2957882 (VCV002957882.3), dbSNP rs2524156184, ClinGen allele CA340135441.

ClinVar aggregate classification (germline): Uncertain significance (1 of 4 stars; one submission).

Conditions:
Familial adenomatous polyposis 2. Also called: MYH-associated polyposis; FAP type 2; MUTYH-associated polyposis; MUTYH-related attenuated familial adenomatous polyposis; COLORECTAL ADENOMATOUS POLYPOSIS, AUTOSOMAL RECESSIVE; ADENOMAS, MULTIPLE COLORECTAL, AUTOSOMAL RECESSIVE. Identifiers: Orphanet 220460, Orphanet 247798, MedGen C3272841, MONDO:0012041, OMIM 608456.

Submission:

Labcorp Genetics (formerly Invitae), Labcorp
Classification: Uncertain significance for Familial adenomatous polyposis 2. Last evaluated: 2023-11-21. Review status: criteria provided, single submitter. Criteria: Invitae Variant Classification Sherloc (09022015). Collection method: clinical testing. Allele origin: germline.
Comment: This sequence change replaces glycine, which is neutral and non-polar, with arginine, which is basic and polar, at codon 198 of the MUTYH protein (p.Gly198Arg). This variant is not present in population databases (gnomAD no frequency). This variant has not been reported in the literature in individuals affected with MUTYH-related conditions. An algorithm developed to predict the effect of missense changes on protein structure and function (PolyPhen-2) suggests that this variant is likely to be tolerated. In summary, the available evidence is currently insufficient to determine the role of this variant in disease. Therefore, it has been classified as a Variant of Uncertain Significance.